The following is an entry in ClinVar:

ClinVar aggregate classification (germline): Likely benign (1 of 4 stars; one submission).

gnomAD v4.1: 46 of 398,390 alleles (0.012%); highest among the groups gnomAD compares: Non-Finnish European, 0.018%; no homozygotes.

Submission:

CeGaT Center for Human Genetics Tuebingen
Classification: Likely benign. Last evaluated: 2026-08-01. Review status: criteria provided, single submitter. Criteria: CeGaT Center For Human Genetics Tuebingen Variant Classification Criteria Version 2. Collection method: clinical testing. Allele origin: germline. Affected: yes. Observed: 1 variant allele.
Comment: KCNQ1OT1: BS2

NM_000218.3(KCNQ1):c.1394-3347T>C

Genes: KCNQ1 (potassium voltage-gated channel subfamily Q member 1; plus strand), KCNQ1OT1 (KCNQ1 opposite strand/antisense transcript 1; minus strand). Cytogenetic location: 11p15.5.
Variant type: single nucleotide variant.
Coding change: c.1394-3347T>C on transcript NM_000218.3 (MANE Select); 3347 bases into the intron before coding-DNA position 1394, T replaced by C.
Molecular consequence: intron variant. On other transcripts: non-coding transcript variant (1).
Genome position (GRCh38, 1-based): chr11:2,658,614, T>C. VCF-style: chr11-2658614-T-C. GRCh37 (hg19) VCF-style: chr11-2679844-T-C.
Other names: c.1124-3347T>C (NM_001406837.1); c.1298-3347T>C (NM_001406836.1); c.854-3347T>C (NM_001406838.1); c.1013-3347T>C (NM_181798.2).
Identifiers: ClinVar variation 5039565 (VCV005039565.1).
Genomic context (GRCh38, chr11:2,658,614, plus strand): 5'-TAGAATCATCCATTCATCCAGAGAGCCCTGGCTCCCTGGAGAATGAATAGAAAACCTGGA[T>C]CTAGGCACGGGGTATGCTCGTGGCTACTAGGGTATCATTGCTTCAGTCTCCTCTCAGTGG-3'